The following is an entry in ClinVar:

ClinVar aggregate classification (germline): Benign. Review status: criteria provided, multiple submitters, no conflicts (2 of 4 stars). 5 submissions from 5 submitters: Benign (4). 1 of the submissions does not count toward it. Last evaluated 2026-01-18.

Conditions:
ADCY1-related disorder. Also called: ADCY1-related condition.

Allele frequency attached by ClinVar (database versions not stated): 1000 Genomes Project 0.00779; 1000 Genomes Project 30x 0.00843; gnomAD 0.01146 and 0.01165; TOPMed 0.01150; gnomAD exomes 0.01196 and 0.01257; ExAC 0.01266; ESP Exome Variant Server 0.01307.
gnomAD v4.1: 19,357 of 1,613,326 alleles (1.2%); highest among the groups gnomAD compares: Middle Eastern, 2.2%; 169 homozygotes.

Submissions (5):

Labcorp Genetics (formerly Invitae), Labcorp
Classification: Benign. Last evaluated: 2026-01-18. Review status: criteria provided, single submitter. Criteria: Invitae Variant Classification Sherloc (09022015). Collection method: clinical testing. Allele origin: germline.

GeneDx
Classification: Benign. Last evaluated: 2020-01-10. Review status: criteria provided, single submitter. Criteria: GeneDx Variant Classification Process June 2021. Collection method: clinical testing. Allele origin: germline. Affected: yes.

Athena Diagnostics
Classification: Benign. Last evaluated: 2019-08-05. Review status: criteria provided, single submitter. Criteria: Athena Diagnostics Criteria. Collection method: clinical testing. Allele origin: germline.

Laboratory for Molecular Medicine, Mass General Brigham Personalized Medicine
Classification: Benign. Last evaluated: 2017-08-23. Review status: criteria provided, single submitter. Criteria: LMM Criteria. Collection method: clinical testing. Allele origin: germline. Observed: 8 variant alleles.
Comment: c.1450-5G>T in intron 7 of ADCY1: This variant is not expected to have clinical significance because it has been identified in 1.66% (1102/66292) of European ch romosomes by the Exome Aggregation Consortium (ExAC. org; dbSNP rs77524127).

PreventionGenetics, part of Exact Sciences
Classification: Benign for ADCY1-related condition. Last evaluated: 2019-06-20. Review status: no assertion criteria provided. Collection method: clinical testing. Allele origin: germline. Not counted in ClinVar's aggregate classification.
Comment: This variant is classified as benign based on ACMG/AMP sequence variant interpretation guidelines (Richards et al. 2015 PMID: 25741868, with internal and published modifications).

NM_021116.4(ADCY1):c.1450-5G>T

Gene: ADCY1 (adenylate cyclase 1; plus strand). Cytogenetic location: 7p12.3.
Variant type: single nucleotide variant.
Coding change: c.1450-5G>T on transcript NM_021116.4 (MANE Select); 5 bases into the intron before coding-DNA position 1450, G replaced by T.
Molecular consequence: intron variant.
Genome position (GRCh38, 1-based): chr7:45,662,054, G>T. VCF-style: chr7-45662054-G-T. GRCh37 (hg19) VCF-style: chr7-45701653-G-T.
Other names: c.775-5G>T (NM_001281768.2).
Identifiers: ClinVar variation 517524 (VCV000517524.17), dbSNP rs77524127, ClinGen allele CA4248967.